The following is an entry in ClinVar:

ClinVar aggregate classification (germline): Benign. Review status: criteria provided, multiple submitters, no conflicts (2 of 4 stars). 3 submissions from 3 submitters: Benign (2). 1 of the submissions does not count toward it. Last evaluated 2019-09-11.

Conditions:
TENM1-related disorder. Also called: TENM1-related condition.

Allele frequency attached by ClinVar (database versions not stated): gnomAD exomes 0.14669 and 0.15660; ExAC 0.16644; gnomAD 0.17904 and 0.17906; TOPMed 0.18308; ESP Exome Variant Server 0.19114; 1000 Genomes Project 30x 0.20812; 1000 Genomes Project 0.21060.
gnomAD v4.1: 180,586 of 1,205,651 alleles (15%); highest among the groups gnomAD compares: South Asian, 31%; 9,902 homozygotes.

Submissions (3):

GeneDx
Classification: Benign. Last evaluated: 2019-09-11. Review status: criteria provided, single submitter. Criteria: GeneDx Variant Classification Process June 2021. Collection method: clinical testing. Allele origin: germline. Affected: yes.

Breakthrough Genomics
Classification: Benign. Review status: criteria provided, single submitter. Criteria: ACMG Guidelines, 2015. Collection method: not provided. Allele origin: germline. Inheritance: Unknown mechanism. Affected: yes.

PreventionGenetics, part of Exact Sciences
Classification: Benign for TENM1-related condition. Last evaluated: 2019-09-23. Review status: no assertion criteria provided. Collection method: clinical testing. Allele origin: germline. Not counted in ClinVar's aggregate classification.
Comment: This variant is classified as benign based on ACMG/AMP sequence variant interpretation guidelines (Richards et al. 2015 PMID: 25741868, with internal and published modifications).

NM_001163278.2(TENM1):c.4497A>G (p.Ala1499=)

Gene: TENM1 (teneurin transmembrane protein 1; minus strand). Cytogenetic location: Xq25.
Variant type: single nucleotide variant.
Coding change: c.4497A>G on transcript NM_001163278.2 (MANE Select); coding-DNA position 4497, A replaced by G.
Protein change: p.Ala1499=; no amino-acid change (alanine 1499 retained).
Molecular consequence: synonymous variant.
Genome position (GRCh38, 1-based): chrX:124,420,796, T>C on the plus strand (A>G on the coding strand, the complement: TENM1 is on the minus strand). VCF-style: chrX-124420796-T-C. GRCh37 (hg19) VCF-style: chrX-123554646-T-C.
Other names: c.4494A>G, p.Ala1498= (NM_001163279.1); c.4476A>G, p.Ala1492= (NM_014253.3).
Identifiers: ClinVar variation 1245199 (VCV001245199.6), dbSNP rs12013090, ClinGen allele CA10509759.